The following is an entry in ClinVar:

NM_001723.7(DST):c.7407_7408insC (p.Val2471fs)

Gene: DST (dystonin; minus strand). Cytogenetic location: 6p12.1.
Variant type: Insertion.
Coding change: c.7407_7408insC on transcript NM_001723.7 (MANE Plus Clinical); coding-DNA positions 7407 to 7408, C inserted.
Protein change: p.Val2471fs; shifts the reading frame from valine 2471.
Molecular consequence: frameshift variant. On other transcripts: intron variant (10).
Genome position: GRCh38 VCF-style: chr6-56616059-A-AG. GRCh37 (hg19) VCF-style: chr6-56480857-A-AG.
Other names: c.4831-1576_4831-1575insC (NM_001144769.5); c.4930-1576_4930-1575insC (NM_001374722.1, NM_001374736.1); c.4957-1576_4957-1575insC (NM_001374734.1); c.4417-1576_4417-1575insC (NM_001144770.2); c.4297-1576_4297-1575insC (NM_001374730.1, NM_001386100.1, NM_183380.4 and 1 more transcripts); c.3319-1576_3319-1575insC (NM_015548.5); short protein forms V2471fs.
Identifiers: ClinVar variation 2038346 (VCV002038346.4), dbSNP rs753195364, ClinGen allele CA3869971.
Genomic context (GRCh38, chr6:56,616,059, plus strand): 5'-TTATGCCCCCTGTACTGACTTGGGCTTCAAGGCATCGGAGGGCAGTAATCCGATCAACCA[A>AG]ATTTCTACGGGAGGCTTTTAGTACAGAGATCCTTTCCCCACTAGCAGTCAGCCAATACCC-3'

ClinVar aggregate classification (germline): Uncertain significance (1 of 4 stars; one submission).

Conditions:
Hereditary sensory and autonomic neuropathy type 6. Also called: HSAN VI; Neuropathy, hereditary sensory and autonomic, type VI. Identifiers: Orphanet 314381, MedGen C3539003, MONDO:0013839, OMIM 614653.
Epidermolysis bullosa simplex 3, localized or generalized intermediate, with BP230 deficiency (EBS3). Also called: Epidermolysis bullosa simplex, autosomal recessive 2; Epidermolysis bullosa simplex due to BP230 deficiency. Identifiers: Orphanet 412181, MedGen C3809470, MONDO:0014180, OMIM 615425.

Allele frequency attached by ClinVar (database versions not stated): gnomAD 0.00001; ExAC 0.00002; gnomAD exomes 0.00002; TOPMed 0.00002.

Submission:

Labcorp Genetics (formerly Invitae), Labcorp
Classification: Uncertain significance for Epidermolysis bullosa simplex 3, localized or generalized intermediate, with BP230 deficiency; Hereditary sensory and autonomic neuropathy type 6. Last evaluated: 2022-06-23. Review status: criteria provided, single submitter. Criteria: Invitae Variant Classification Sherloc (09022015). Collection method: clinical testing. Allele origin: germline.
Comment: This sequence change creates a premature translational stop signal (p.Val2471Glyfs*2) in the DST gene. While this is not anticipated to result in nonsense mediated decay, it is expected to disrupt the last 179 amino acid(s) of the DST protein. This variant is present in population databases (rs753195364, gnomAD 0.002%). This variant has not been reported in the literature in individuals affected with DST-related conditions. Experimental studies and prediction algorithms are not available or were not evaluated, and the functional significance of this variant is currently unknown. In summary, the available evidence is currently insufficient to determine the role of this variant in disease. Therefore, it has been classified as a Variant of Uncertain Significance.